The following is an entry in ClinVar:

ClinVar aggregate classification (germline): Uncertain significance (1 of 4 stars; one submission).

Conditions:
Primary ciliary dyskinesia 19. Also called: CILIARY DYSKINESIA, PRIMARY, 19, WITH OR WITHOUT SITUS INVERSUS. Identifiers: Orphanet 244, MedGen C3543826, MONDO:0013979, OMIM 614935.

Allele frequency attached by ClinVar (database versions not stated): ExAC 0.00001; gnomAD exomes 0.00001.
gnomAD v4.1: 11 of 1,613,000 alleles (0.00068%); highest among the groups gnomAD compares: South Asian, 0.0066%; no homozygotes.

Submission:

Labcorp Genetics (formerly Invitae), Labcorp
Classification: Uncertain significance for Primary ciliary dyskinesia 19. Last evaluated: 2019-09-02. Review status: criteria provided, single submitter. Criteria: Invitae Variant Classification Sherloc (09022015). Collection method: clinical testing. Allele origin: germline.
Comment: In summary, the available evidence is currently insufficient to determine the role of this variant in disease. Therefore, it has been classified as a Variant of Uncertain Significance. Algorithms developed to predict the effect of missense changes on protein structure and function are either unavailable or do not agree on the potential impact of this missense change (SIFT: "Tolerated"; PolyPhen-2: "Benign"; Align-GVGD: "Class C0"). This variant has not been reported in the literature in individuals with LRRC6-related conditions. The frequency data for this variant in the population databases is considered unreliable, as metrics indicate poor data quality at this position in the ExAC database. This sequence change replaces lysine with glutamine at codon 184 of the LRRC6 protein (p.Lys184Gln). The lysine residue is moderately conserved and there is a small physicochemical difference between lysine and glutamine.

NM_012472.6(DNAAF11):c.550A>C (p.Lys184Gln)

Gene: DNAAF11 (dynein axonemal assembly factor 11; minus strand). Cytogenetic location: 8q24.22.
Variant type: single nucleotide variant.
Coding change: c.550A>C on transcript NM_012472.6 (MANE Select); coding-DNA position 550, A replaced by C.
Protein change: p.Lys184Gln; replaces lysine 184 with glutamine.
Molecular consequence: missense variant. On other transcripts: non-coding transcript variant (1).
Genome position (GRCh38, 1-based): chr8:132,632,843, T>G on the plus strand (A>C on the coding strand, the complement: DNAAF11 is on the minus strand). VCF-style: chr8-132632843-T-G. GRCh37 (hg19) VCF-style: chr8-133645089-T-G.
Other names: c.550A>C, p.Lys184Gln (NM_001321961.2); c.304A>C, p.Lys102Gln (NM_001321962.2); c.190A>C, p.Lys64Gln (NM_001321963.2, NM_001321964.2, NM_001321965.2 and 1 more transcripts); short protein forms K102Q, K64Q, K184Q.
Identifiers: ClinVar variation 937836 (VCV000937836.9), dbSNP rs748737174, ClinGen allele CA4881352.
Genomic context (GRCh38, chr8:132,632,843, plus strand): 5'-CGTTACTTCTCTTGTCTTCATTTTTATCCTCTTCTTGGTGTTTCCTCTGAGCCTCTTCCT[T>G]GAGTTTGGCTCGTTTAAGACAGTGATCTTTTTCCTGCTCTCTGATTTGTGGTTCAATTAC-3'
Protein context (NP_036604.2, residues 174-194): KDHCLKRAKL[Lys184Gln]EEAQRKHQEE